The following is an entry in ClinVar:

NM_006059.4(LAMC3):c.3423dup (p.Pro1142fs)

Gene: LAMC3 (laminin subunit gamma 3; plus strand). Cytogenetic location: 9q34.12.
Variant type: Duplication.
Coding change: c.3423dup on transcript NM_006059.4 (MANE Select); coding-DNA position 3423, one base duplicated (T; older notation c.3423dupT).
Protein change: p.Pro1142fs; shifts the reading frame from proline 1142.
Molecular consequence: frameshift variant.
Genome position (GRCh38, 1-based): chr9:131,073,250, T duplicated; the last of 2 consecutive T bases (chr9:131,073,249-131,073,250); duplicating either gives the same sequence. VCF-style (leftmost placement, unchanged base first): chr9-131073248-A-AT. GRCh37 (hg19) VCF-style: chr9-133948635-A-AT.
Other names: short protein forms P1142fs.
Identifiers: ClinVar variation 2444494 (VCV002444494.3), dbSNP rs2538309608, ClinGen allele CA2580079869.

ClinVar aggregate classification (germline): Pathogenic (1 of 4 stars; one submission).

Conditions:
Occipital pachygyria and polymicrogyria. Identifiers: Orphanet 280640, MedGen C3279875, MONDO:0013583, OMIM 614115.

Submission:

Human Genome Lab, NIMHANS, National Institute of Mental Health and Neuro Sciences
Classification: Pathogenic for Occipital pachygyria and polymicrogyria. Review status: criteria provided, single submitter. Criteria: ACMG Guidelines, 2015. Collection method: clinical testing. Allele origin: unknown. Inheritance: Autosomal recessive inheritance. Affected: yes. Observed: 1 homozygote.
Comment: The frameshift duplication NM_006059.4(LAMC3):c.3423dupT (p.Pro1142Serfs*90) has not been reported previously as a pathogenic variant nor as a benign variant, to our knowledge. The p.Pro1142Serfs*90 variant is novel (not in any individuals) in 1kG All. The p.Pro1142Serfs*90 variant is novel (not in any individuals) in gnomAD as well as in our inhouse database. This variant is predicted to cause loss of normal protein function through protein truncation caused a frameshift mutation. The frame shifted sequence continues 90 residues until a stop codon is reached. This variant is a frameshift variant which occurs in an exon of LAMC3 upstream of where nonsense mediated decay is predicted to occur. There are 8 downstream pathogenic loss of function variants, with the furthest variant being 310 residues downstream of this variant. This indicates that the region is critical to protein function. The p.Pro1142Serfs*90 variant is a loss of function variant in the gene LAMC3, which is intolerant of Loss of Function variants, as indicated by the presence of existing pathogenic loss of function variant NP_006050.3:p.Q49* and 42 others. In addition the clinical phenotype of the proband matches with that of the disorder caused by the pathogenic variants in LAMC3 gene. For these reasons, this variant has been classified as Pathogenic.